The following is an entry in ClinVar:

ClinVar aggregate classification (germline): Uncertain significance (1 of 4 stars; one submission).

Submission:

Dasa
Classification: Uncertain significance. Last evaluated: 2025-12-11. Review status: criteria provided, single submitter. Criteria: DASA Assertion Criteria. Collection method: clinical testing. Allele origin: germline.
Comment: NM_000719.7(CACNA1C):c.5681-3C>T is a splice-region variant. This variant is rare in population databases. Computational prediction algorithms are consistent with a benign effect. The currently available literature and clinical evidence are not sufficient to establish a definitive association between this variant and the reported condition. Therefore, this variant is classified as a variant of uncertain significance.

NM_000719.7(CACNA1C):c.5681-3C>T

Genes: CACNA1C (calcium voltage-gated channel subunit alpha1 C; plus strand), CACNA1C-AS1 (CACNA1C antisense RNA 1; minus strand). Cytogenetic location: 12p13.33.
Variant type: single nucleotide variant.
Coding change: c.5681-3C>T on transcript NM_000719.7 (MANE Select); 3 bases into the intron before coding-DNA position 5681, C replaced by T.
Molecular consequence: intron variant.
Genome position (GRCh38, 1-based): chr12:2,686,163, C>T. VCF-style: chr12-2686163-C-T. GRCh37 (hg19) VCF-style: chr12-2795329-C-T.
Other names: c.5786-3C>T (NM_001167624.3, NM_001129830.3); c.5681-3C>T (NM_001167623.2, NM_001129840.2, NM_001129842.2 and 2 more transcripts); c.5861-3C>T (NM_001167625.2); c.5930-3C>T (NM_199460.4); c.5825-3C>T (NM_001129827.2); c.5741-3C>T (NM_001129832.2); c.5765-3C>T (NM_001129831.2); c.5738-3C>T (NM_001129833.2, NM_001129834.2, NM_001129835.2); and 6 more.
Identifiers: ClinVar variation 4882830 (VCV004882830.2).